The following is an entry in ClinVar:

NM_000038.6(APC):c.6437C>T (p.Ser2146Leu)

Gene: APC (APC regulator of Wnt signaling pathway; plus strand). Cytogenetic location: 5q22.2.
Variant type: single nucleotide variant.
Coding change: c.6437C>T on transcript NM_000038.6 (MANE Select); coding-DNA position 6437, C replaced by T.
Protein change: p.Ser2146Leu; replaces serine 2146 with leucine.
Molecular consequence: missense variant.
Genome position (GRCh38, 1-based): chr5:112,842,031, C>T. VCF-style: chr5-112842031-C-T. GRCh37 (hg19) VCF-style: chr5-112177728-C-T.
Other names: c.6437C>T, p.Ser2146Leu (NM_001127510.3, NM_001354895.2); c.6383C>T, p.Ser2128Leu (NM_001127511.3); c.6491C>T, p.Ser2164Leu (NM_001354896.2); c.6467C>T, p.Ser2156Leu (NM_001354897.2); c.6362C>T, p.Ser2121Leu (NM_001354898.2); c.6353C>T, p.Ser2118Leu (NM_001354899.2); c.6314C>T, p.Ser2105Leu (NM_001354900.2); c.6260C>T, p.Ser2087Leu (NM_001354901.2); and 5 more; short protein forms S2055L, S2105L, S2121L, S2146L, S2020L, S2118L, S2045L, S1863L.
Identifiers: ClinVar variation 1466534 (VCV001466534.8), dbSNP rs2149964888, ClinGen allele CA16035418.
Genomic context (GRCh38, chr5:112,842,031, plus strand): 5'-GACAAGCTTCGTCTGATTCAGATTCCATCCTTTCCCTGAAATCAGGAATCTCTCTGGGAT[C>T]ACCATTTCATCTTACACCTGATCAAGAAGAAAAACCCTTTACAAGTAATAAAGGCCCACG-3'
Protein context (NP_000029.2, residues 2136-2156): LSLKSGISLG[Ser2146Leu]PFHLTPDQEE

ClinVar aggregate classification (germline): Uncertain significance (1 of 4 stars; one submission).

Conditions:
Familial adenomatous polyposis 1 (FAP1). Also called: FAMILIAL ADENOMATOUS POLYPOSIS 1, ATTENUATED; POLYPOSIS, ADENOMATOUS INTESTINAL. Identifiers: MedGen C2713442, MONDO:0021056, OMIM 175100. Disease mechanism: loss of function.

gnomAD v4.1: 1 of 1,613,330 alleles (0.000062%); highest among the groups gnomAD compares: Non-Finnish European, 0.000085%; no homozygotes.

Submission:

Labcorp Genetics (formerly Invitae), Labcorp
Classification: Uncertain significance for Familial adenomatous polyposis 1. Last evaluated: 2021-02-18. Review status: criteria provided, single submitter. Criteria: Invitae Variant Classification Sherloc (09022015). Collection method: clinical testing. Allele origin: germline.
Comment: In summary, the available evidence is currently insufficient to determine the role of this variant in disease. Therefore, it has been classified as a Variant of Uncertain Significance. Algorithms developed to predict the effect of missense changes on protein structure and function are either unavailable or do not agree on the potential impact of this missense change (SIFT: "Deleterious"; PolyPhen-2: "Probably Damaging"; Align-GVGD: "Class C0"). This variant has not been reported in the literature in individuals with APC-related conditions. This variant is not present in population databases (ExAC no frequency). This sequence change replaces serine with leucine at codon 2146 of the APC protein (p.Ser2146Leu). The serine residue is highly conserved and there is a large physicochemical difference between serine and leucine.